The following is an entry in ClinVar:

NM_001161352.2(KCNMA1):c.1096C>G (p.Arg366Gly)

Gene: KCNMA1 (potassium calcium-activated channel subfamily M alpha 1; minus strand). Cytogenetic location: 10q22.3.
Variant type: single nucleotide variant.
Coding change: c.1096C>G on transcript NM_001161352.2 (MANE Select); coding-DNA position 1096, C replaced by G.
Protein change: p.Arg366Gly; replaces arginine 366 with glycine.
Molecular consequence: missense variant.
Genome position (GRCh38, 1-based): chr10:77,110,208, G>C on the plus strand (C>G on the coding strand, the complement: KCNMA1 is on the minus strand). VCF-style: chr10-77110208-G-C. GRCh37 (hg19) VCF-style: chr10-78869966-G-C.
Other names: c.1096C>G, p.Arg366Gly (NM_001322837.2, NM_001410940.1, NM_001437423.1 and 9 more transcripts); c.556C>G, p.Arg186Gly (NM_001322838.2); c.1228C>G, p.Arg410Gly (NM_001437422.1); c.934C>G, p.Arg312Gly (NM_001271518.2); short protein forms R186G, R312G, R366G, R410G.
Identifiers: ClinVar variation 4281800 (VCV004281800.1).

ClinVar aggregate classification (germline): Uncertain significance (1 of 4 stars; one submission).

gnomAD v4.1: 1 of 1,613,904 alleles (0.000062%); highest among the groups gnomAD compares: Non-Finnish European, 0.000085%; no homozygotes.

Submission:

GeneDx
Classification: Uncertain significance. Last evaluated: 2025-04-07. Review status: criteria provided, single submitter. Criteria: GeneDx Variant Classification Process June 2021. Collection method: clinical testing. Allele origin: germline. Affected: yes.
Comment: Not observed at significant frequency in large population cohorts (gnomAD); In silico analysis supports that this missense variant has a deleterious effect on protein structure/function; Has not been previously published as pathogenic or benign to our knowledge